The following is an entry in ClinVar:

ClinVar aggregate classification (germline): Pathogenic (1 of 4 stars; one submission).

Submission:

Labcorp Genetics (formerly Invitae), Labcorp
Classification: Pathogenic. Last evaluated: 2023-12-16. Review status: criteria provided, single submitter. Criteria: Invitae Variant Classification Sherloc (09022015). Collection method: clinical testing. Allele origin: germline.
Comment: This variant is a gross deletion of the genomic region encompassing exon(s) 3 of the CNGB3 gene. This deletion is out-of-frame, and is expected to create a premature termination codon and result in an absent or disrupted protein product. Loss-of-function variants in CNGB3 are known to be pathogenic (PMID: 28795510). A similar copy number variant has been observed in individual(s) with achromatopsia (PMID: 28795510). It has also been observed to segregate with disease in related individuals. For these reasons, this variant has been classified as Pathogenic.

Literature cited by the submitters: PubMed 28795510.

NC_000008.10:g.(?_87738739)_(87738905_?)del

Gene: CNGB3 (cyclic nucleotide gated channel subunit beta 3; minus strand). Cytogenetic location: 8q21.3.
Variant type: Deletion.
Identifiers: ClinVar variation 2426509 (VCV002426509.4).